The following is an entry in ClinVar:

NM_007078.3(LDB3):c.785_818dup (p.Ser274fs)

Gene: LDB3 (LIM domain binding 3; plus strand). Cytogenetic location: 10q23.2.
Variant type: Duplication.
Coding change: c.785_818dup on transcript NM_007078.3 (MANE Select); coding-DNA positions 785 to 818, 34 bases duplicated.
Protein change: p.Ser274fs; shifts the reading frame from serine 274.
Molecular consequence: frameshift variant.
Genome position (GRCh38, 1-based): chr10:86,691,991-86,692,024, 34 bases duplicated; duplicating any 34 consecutive bases within chr10:86,691,989-86,692,024 gives the same sequence; the c. name uses the placement nearest the transcript's 3' end. GRCh37 (hg19): chr10:88,451,748-88,451,781.
Other names: c.785_818dup, p.Ser274fs (NM_001368063.1, NM_001080115.2, NM_001368064.1 and 1 more transcripts); c.989_1022dup, p.Ser342fs (NM_001171610.2, NM_001171611.2); c.644_677dup, p.Ser227fs (NM_001080114.2, NM_001080116.1, NM_001368066.1 and 2 more transcripts); short protein forms S227fs, S274fs, S342fs.
Identifiers: ClinVar variation 2034482 (VCV002034482.4), dbSNP rs2492677971, ClinGen allele CA2580082064.

ClinVar aggregate classification (germline): Pathogenic (1 of 4 stars; one submission).

Conditions:
Myofibrillar myopathy 4. Also called: Zaspopathy (type). Identifiers: Orphanet 98912, MedGen C4721886, MONDO:0012277, OMIM 609452.

Submission:

Labcorp Genetics (formerly Invitae), Labcorp
Classification: Pathogenic for Myofibrillar myopathy 4. Last evaluated: 2024-04-17. Review status: criteria provided, single submitter. Criteria: Invitae Variant Classification Sherloc (09022015). Collection method: clinical testing. Allele origin: germline.
Comment: The LDB3 gene has multiple clinically relevant transcripts. This variant occurs in alternate transcript NM_007078.3, and corresponds to NM_001080116.1:c.644_677dup in the primary transcript. This sequence change creates a premature translational stop signal (p.Ser227Valfs*29) in the LDB3 gene. It is expected to result in an absent or disrupted protein product in both transcripts. However, loss-of-function variants in LDB3 are only known to be pathogenic in the alternate transcript (PMID: 36253531). This variant is not present in population databases (gnomAD no frequency). This variant has not been reported in the literature in individuals affected with LDB3-related conditions. ClinVar contains an entry for this variant (Variation ID: 2034482). For these reasons, this variant has been classified as Pathogenic.

Literature cited by the submitters: PubMed 36253531.